The following is an entry in ClinVar:

NM_016032.4(ZDHHC9):c.1003A>T (p.Asn335Tyr)

Gene: ZDHHC9 (zDHHC palmitoyltransferase 9; minus strand). Cytogenetic location: Xq26.1.
Variant type: single nucleotide variant.
Coding change: c.1003A>T on transcript NM_016032.4 (MANE Select); coding-DNA position 1003, A replaced by T.
Protein change: p.Asn335Tyr; replaces asparagine 335 with tyrosine.
Molecular consequence: missense variant.
Genome position (GRCh38, 1-based): chrX:129,806,462, T>A on the plus strand (A>T on the coding strand, the complement: ZDHHC9 is on the minus strand). VCF-style: chrX-129806462-T-A. GRCh37 (hg19) VCF-style: chrX-128940438-T-A.
Other names: c.1003A>T, p.Asn335Tyr (NM_001008222.3); short protein forms N335Y.
Identifiers: ClinVar variation 2801417 (VCV002801417.3), dbSNP rs2522175532, ClinGen allele CA414578767.

ClinVar aggregate classification (germline): Uncertain significance (1 of 4 stars; one submission).

Conditions:
Intellectual developmental disorder, X-linked, syndromic, Raymond type. Also called: Syndromic X-linked intellectual disability Raymond type. Identifiers: MedGen C3275406, MONDO:0010427, OMIM 300799.

Submission:

Labcorp Genetics (formerly Invitae), Labcorp
Classification: Uncertain significance for Intellectual developmental disorder, X-linked, syndromic, Raymond type. Last evaluated: 2023-08-11. Review status: criteria provided, single submitter. Criteria: Invitae Variant Classification Sherloc (09022015). Collection method: clinical testing. Allele origin: germline.
Comment: In summary, the available evidence is currently insufficient to determine the role of this variant in disease. Therefore, it has been classified as a Variant of Uncertain Significance. An algorithm developed to predict the effect of missense changes on protein structure and function (PolyPhen-2) suggests that this variant is likely to be tolerated. This variant has not been reported in the literature in individuals affected with ZDHHC9-related conditions. This variant is not present in population databases (gnomAD no frequency). This sequence change replaces asparagine, which is neutral and polar, with tyrosine, which is neutral and polar, at codon 335 of the ZDHHC9 protein (p.Asn335Tyr).